The following is an entry in ClinVar:

NC_000002.11:g.(?_86479060)_(86509385_?)dup

Gene: REEP1 (receptor accessory protein 1; minus strand). Cytogenetic location: 2p11.2.
Variant type: Duplication.
Identifiers: ClinVar variation 2426779 (VCV002426779.4).

ClinVar aggregate classification (germline): Likely pathogenic (1 of 4 stars; one submission).

Conditions:
Hereditary spastic paraplegia 31. Also called: SPASTIC PARAPLEGIA 31, AUTOSOMAL DOMINANT. Identifiers: Orphanet 101011, MedGen C1853247, MONDO:0012453, OMIM 610250.

Submission:

Labcorp Genetics (formerly Invitae), Labcorp
Classification: Likely pathogenic for Hereditary spastic paraplegia 31. Last evaluated: 2022-09-13. Review status: criteria provided, single submitter. Criteria: Invitae Variant Classification Sherloc (09022015). Collection method: clinical testing. Allele origin: germline.
Comment: In summary, the currently available evidence indicates that the variant is pathogenic, but additional data are needed to prove that conclusively. Therefore, this variant has been classified as Likely Pathogenic. This variant has not been reported in the literature in individuals affected with REEP1-related conditions. This variant results in a copy number gain of the genomic region encompassing exon(s) 2-5 of the REEP1 gene. While the exact position of this variant cannot be determined from the data, sub-genic copy number gains are generally in tandem (PMID: 25640679). This variant is predicted to be out-of-frame, and may result in an absent or disrupted protein product. Loss-of-function variants in REEP1 are known to be pathogenic (PMID: 18321925, 18644145, 22703882).

Literature cited by the submitters: PubMed 25640679; PubMed 18321925; PubMed 18644145; PubMed 22703882.